The following is an entry in ClinVar:

NM_003482.4(KMT2D):c.4901C>T (p.Ala1634Val)

Gene: KMT2D (lysine methyltransferase 2D; minus strand). Cytogenetic location: 12q13.12.
Variant type: single nucleotide variant.
Coding change: c.4901C>T on transcript NM_003482.4 (MANE Select); coding-DNA position 4901, C replaced by T.
Protein change: p.Ala1634Val; replaces alanine 1634 with valine.
Molecular consequence: missense variant.
Genome position (GRCh38, 1-based): chr12:49,044,806, G>A on the plus strand (C>T on the coding strand, the complement: KMT2D is on the minus strand). VCF-style: chr12-49044806-G-A. GRCh37 (hg19) VCF-style: chr12-49438589-G-A.
Other names: short protein forms A1634V.
Identifiers: ClinVar variation 2637802 (VCV002637802.1), dbSNP rs2120587894, ClinGen allele CA384639954.

ClinVar aggregate classification (germline): Uncertain significance (1 of 4 stars; one submission).

Submission:

Women's Health and Genetics/Laboratory Corporation of America, LabCorp
Classification: Uncertain significance. Last evaluated: 2023-10-18. Review status: criteria provided, single submitter. Criteria: LabCorp Variant Classification Summary - May 2015. Collection method: clinical testing. Allele origin: germline.
Comment: Variant summary: MLL2 c.4901C>T (p.Ala1634Val) results in a non-conservative amino acid change in the encoded protein sequence. Four of five in-silico tools predict a benign effect of the variant on protein function. The variant was absent in 249294 control chromosomes. The available data on variant occurrences in the general population are insufficient to allow any conclusion about variant significance. To our knowledge, no occurrence of c.4901C>T in individuals affected with Kabuki Syndrome 1 and no experimental evidence demonstrating its impact on protein function have been reported. No submitters have cited clinical-significance assessments for this variant to ClinVar after 2014. Based on the evidence outlined above, the variant was classified as uncertain significance.